The following is an entry in ClinVar:

NM_001128840.3(CACNA1D):c.3997G>A (p.Gly1333Arg)

Gene: CACNA1D (calcium voltage-gated channel subunit alpha1 D; plus strand). Cytogenetic location: 3p21.1.
Variant type: single nucleotide variant.
Coding change: c.3997G>A on transcript NM_001128840.3 (MANE Select); coding-DNA position 3997, G replaced by A.
Protein change: p.Gly1333Arg; replaces glycine 1333 with arginine.
Molecular consequence: missense variant.
Genome position (GRCh38, 1-based): chr3:53,770,505, G>A. VCF-style: chr3-53770505-G-A. GRCh37 (hg19) VCF-style: chr3-53804532-G-A.
Other names: c.4057G>A, p.Gly1353Arg (NM_000720.4); c.3952G>A, p.Gly1318Arg (NM_001128839.3); short protein forms G1353R, G1333R, G1318R.
Identifiers: ClinVar variation 3677320 (VCV003677320.2).
Genomic context (GRCh38, chr3:53,770,505, plus strand): 5'-ATCTCCATCACCTTTTTCCGTCTTTTCCGAGTGATGCGATTGGTGAAGCTTCTCAGCAGG[G>A]GGGAAGGCATCCGGACATTGCTGTGGACTTTTATTAAGTCCTTTCAGGTAAGAGCCATGC-3'
Protein context (NP_001122312.1, residues 1323-1343): VMRLVKLLSR[Gly1333Arg]EGIRTLLWTF

ClinVar aggregate classification (germline): Uncertain significance (1 of 4 stars; one submission).

gnomAD v4.1: 2 of 1,613,804 alleles (0.00012%); highest among the groups gnomAD compares: Non-Finnish European, 0.00017%; no homozygotes.

Submission:

Labcorp Genetics (formerly Invitae), Labcorp
Classification: Uncertain significance. Last evaluated: 2024-11-18. Review status: criteria provided, single submitter. Criteria: Invitae Variant Classification Sherloc (09022015). Collection method: clinical testing. Allele origin: germline.
Comment: This sequence change replaces glycine, which is neutral and non-polar, with arginine, which is basic and polar, at codon 1353 of the CACNA1D protein (p.Gly1353Arg). This variant is not present in population databases (gnomAD no frequency). This variant has not been reported in the literature in individuals affected with CACNA1D-related conditions. Invitae Evidence Modeling of protein sequence and biophysical properties (such as structural, functional, and spatial information, amino acid conservation, physicochemical variation, residue mobility, and thermodynamic stability) indicates that this missense variant is expected to disrupt CACNA1D protein function with a positive predictive value of 80%. In summary, the available evidence is currently insufficient to determine the role of this variant in disease. Therefore, it has been classified as a Variant of Uncertain Significance.